The following is an entry in ClinVar:

NM_000419.5(ITGA2B):c.2586_2587insTTG (p.Pro862_Val863insLeu)

Gene: ITGA2B (integrin subunit alpha 2b; minus strand). Cytogenetic location: 17q21.31.
Variant type: Insertion.
Coding change: c.2586_2587insTTG on transcript NM_000419.5 (MANE Select); coding-DNA positions 2586 to 2587, TTG inserted.
Protein change: p.Pro862_Val863insLeu.
Genome position: GRCh38 VCF-style: chr17-44375847-C-CCAA. GRCh37 (hg19) VCF-style: chr17-42453215-C-CCAA.
Identifiers: ClinVar variation 4847711 (VCV004847711.1).
Genomic context (GRCh38, chr17:44,375,847, plus strand): 5'-TGGTCTGGGGCCGCCTTCCCAGGTCTTTCTTCCACCCAGCTCTTACCTTGAGAGGGTTGA[C>CCAA]AGGAGGCTGTGGGAAGCACTGAAGGCCCCCCTGGGGCTGTATATCCAGGATGTAGAGCAG-3'

ClinVar aggregate classification (germline): Uncertain significance (1 of 4 stars; one submission).

Submission:

Women's Health and Genetics/Laboratory Corporation of America, LabCorp
Classification: Uncertain significance. Last evaluated: 2026-03-24. Review status: criteria provided, single submitter. Criteria: LabCorp Variant Classification Summary - May 2015. Collection method: clinical testing. Allele origin: germline.
Comment: Variant summary: ITGA2B c.2586_2587insTTG (p.Pro862_Val863insLeu) results in an in-frame insertion that is predicted to insert 1 amino acid into the encoded protein. The variant was absent in 204622 control chromosomes. The available data on variant occurrences in the general population are insufficient to allow any conclusion about variant significance. To our knowledge, no occurrence of c.2586_2587insTTG in individuals affected with ITGA2B-related conditions and no experimental evidence demonstrating its impact on protein function have been reported. No submitters have cited clinical-significance assessments for this variant to ClinVar. Based on the evidence outlined above, the variant was classified as uncertain significance.